The following is an entry in ClinVar:

NM_004525.3(LRP2):c.13169del (p.Tyr4390fs)

Gene: LRP2 (LDL receptor related protein 2; minus strand). Cytogenetic location: 2q31.1.
Variant type: Deletion.
Coding change: c.13169del on transcript NM_004525.3 (MANE Select); coding-DNA position 13169, one base deleted (A; older notation c.13169delA).
Protein change: p.Tyr4390fs; shifts the reading frame from tyrosine 4390.
Molecular consequence: frameshift variant.
Genome position (GRCh38, 1-based): chr2:169,140,485, T deleted on the plus strand (A on the coding strand, the reverse complement: LRP2 is on the minus strand). VCF-style (leftmost placement, unchanged base first): chr2-169140484-AT-A. GRCh37 (hg19) VCF-style: chr2-169996994-AT-A.
Other names: short protein forms Y4390fs.
Identifiers: ClinVar variation 4702401 (VCV004702401.2).

ClinVar aggregate classification (germline): Pathogenic (1 of 4 stars; one submission).

Submission:

Labcorp Genetics (formerly Invitae), Labcorp
Classification: Pathogenic. Last evaluated: 2025-10-06. Review status: criteria provided, single submitter. Criteria: Invitae Variant Classification Sherloc (09022015). Collection method: clinical testing. Allele origin: germline.
Comment: This sequence change creates a premature translational stop signal (p.Tyr4390Phefs*36) in the LRP2 gene. It is expected to result in an absent or disrupted protein product. Loss-of-function variants in LRP2 are known to be pathogenic (PMID: 17632512, 25682901). This variant is not present in population databases (gnomAD no frequency). This variant has not been reported in the literature in individuals affected with LRP2-related conditions. For these reasons, this variant has been classified as Pathogenic.

Literature cited by the submitters: PubMed 17632512; PubMed 25682901.